The following is an entry in ClinVar:

ClinVar aggregate classification (germline): Uncertain significance. Review status: criteria provided, multiple submitters, no conflicts (2 of 4 stars). 3 submissions from 3 submitters: Uncertain significance (3). Last evaluated 2026-07-20.

Conditions:
Familial intrahepatic cholestasis. Identifiers: Orphanet 284385, MedGen CN296401, MONDO:0017290.
ATP8B1-related disorder. Also called: ATP8B1-related condition; ATP8B1-related disorders.

Allele frequency attached by ClinVar (database versions not stated): TOPMed 0.00007; gnomAD 0.00009; ESP Exome Variant Server 0.00015.
gnomAD v4.1: 296 of 1,613,570 alleles (0.018%); highest among the groups gnomAD compares: Middle Eastern, 0.066%; no homozygotes.

Submissions (3):

PreventionGenetics, part of Exact Sciences
Classification: Uncertain significance for ATP8B1-related condition. Last evaluated: 2026-07-20. Review status: criteria provided, single submitter. Criteria: ACMG Guidelines, 2015. Collection method: clinical testing. Allele origin: germline.
Comment: The ATP8B1 c.1046T>C variant is predicted to result in the amino acid substitution p.Ile349Thr. This variant was reported in the heterozygous state in individual with cholestatic liver disease (Patient 3, Kulecka et al. 2017. PubMed ID: 28626473). This variant is reported in 0.023% of alleles in individuals of European (Non-Finnish) descent in gnomAD. At this time, the clinical significance of this variant is uncertain due to the absence of conclusive functional and genetic evidence.

Genomenon, Inc
Classification: Uncertain significance for Familial intrahepatic cholestasis. Last evaluated: 2026-04-14. Review status: criteria provided, single submitter. Criteria: Genomenon Sequence Variant Interpretation Standards - Updated. Collection method: curation. Allele origin: germline. Affected: no.
Comment: ATP8B1 p.Ile349Thr (c.1046T>C) is a missense variant that changes the amino acid at residue 349 from Isoleucine to Threonine. This variant has been reported in the published literature (PMID:28626473;24260417;33070363). It is absent or not present at a significant frequency in gnomAD. In conclusion, we classify ATP8B1 p.Ile349Thr (c.1046T>C) as a variant of uncertain significance.

Women's Health and Genetics/Laboratory Corporation of America, LabCorp
Classification: Uncertain significance. Last evaluated: 2023-02-17. Review status: criteria provided, single submitter. Criteria: LabCorp Variant Classification Summary - May 2015. Collection method: clinical testing. Allele origin: germline.
Comment: Variant summary: ATP8B1 c.1046T>C (p.Ile349Thr) results in a non-conservative amino acid change in the encoded protein sequence. Three of five in-silico tools predict a benign effect of the variant on protein function. The variant allele was found at a frequency of 0.00013 in 250186 control chromosomes. This frequency is not significantly higher than estimated for a pathogenic variant in ATP8B1 causing Familial Intrahepatic Cholestasis (0.00013 vs 0.0022), allowing no conclusion about variant significance. c.1046T>C has been reported in the literature in individuals affected with idiopathic cholestasis or cholestatic liver diseases. These reports do not provide unequivocal conclusions about association of the variant with Familial Intrahepatic Cholestasis. To our knowledge, no experimental evidence demonstrating an impact on protein function has been reported. No clinical diagnostic laboratories have submitted clinical-significance assessments for this variant to ClinVar after 2014. Based on the evidence outlined above, the variant was classified as uncertain significance.

Literature cited by the submitters: PubMed 28626473 (cited by Genomenon, Inc and Women's Health and Genetics/Laboratory Corporation of America, LabCorp); PubMed 24260417 (cited by Genomenon, Inc); PubMed 33070363 (cited by Genomenon, Inc); PubMed 26126923 (cited by Women's Health and Genetics/Laboratory Corporation of America, LabCorp).

NM_001374385.1(ATP8B1):c.1046T>C (p.Ile349Thr)

Gene: ATP8B1 (ATPase phospholipid transporting 8B1; minus strand). Cytogenetic location: 18q21.31.
Variant type: single nucleotide variant.
Coding change: c.1046T>C on transcript NM_001374385.1 (MANE Select); coding-DNA position 1046, T replaced by C.
Protein change: p.Ile349Thr; replaces isoleucine 349 with threonine.
Molecular consequence: missense variant.
Genome position (GRCh38, 1-based): chr18:57,691,981, A>G on the plus strand (T>C on the coding strand, the complement: ATP8B1 is on the minus strand). VCF-style: chr18-57691981-A-G. GRCh37 (hg19) VCF-style: chr18-55359213-A-G.
Other names: c.896T>C, p.Ile299Thr (NM_001374386.1); c.1046T>C, p.Ile349Thr (NM_005603.6); c.1046T>C (NM_005603.4); short protein forms I299T, I349T.
Identifiers: ClinVar variation 2445891 (VCV002445891.3), dbSNP rs56214207, ClinGen allele CA8974661.